The following is an entry in ClinVar:

ClinVar aggregate classification (germline): Uncertain significance. Review status: criteria provided, multiple submitters, no conflicts (2 of 4 stars). 5 submissions from 5 submitters: Uncertain significance (5). Last evaluated 2025-08-16.

Conditions:
King Denborough syndrome (KDS). Identifiers: MedGen C1840365, MONDO:0020485, OMIM 619542.
Congenital myopathy with fiber type disproportion. Also called: Congenital fiber-type disproportion myopathy; Congenital fiber-type disproportion. Identifiers: Orphanet 2020, MedGen C0546264, MONDO:0009711. Inheritance: all.
Central core myopathy (CMYO1A). Also called: Central core disease; Myopathy, central fibrillar; CONGENITAL MYOPATHY 1A, AUTOSOMAL DOMINANT, WITH SUSCEPTIBILITY TO MALIGNANT HYPERTHERMIA. Identifiers: Orphanet 597, MedGen C5830701, MONDO:0007294, OMIM 117000.
Malignant hyperthermia, susceptibility to, 1 (MHS1). Also called: Anesthesia related hyperthermia; Malignant hyperpyrexia; Fulminating hyperpyrexia; Pharmacogenic myopathy; Malignant hyperthermia suceptibility 1; RYR1-Related Malignant Hyperthermia Susceptibility. Identifiers: Orphanet 423, MedGen C2930980, MONDO:0007783, OMIM 145600.
Congenital multicore myopathy with external ophthalmoplegia (CMYO1B). Also called: Minicore myopathy with external ophthalmoplegia; MULTICORE MYOPATHY; Congenital myopathy 1B, autosomal recessive; Minicore myopathy; MULTIMINICORE DISEASE WITH EXTERNAL OPHTHALMOPLEGIA. Identifiers: Orphanet 598, Orphanet 98905, MedGen C1850674, MONDO:0009712, OMIM 255320, HP:0003789.
RYR1-related disorder. Also called: RYR1-related condition; RYR1-related disorders. Identifiers: MedGen CN239331.

Allele frequency attached by ClinVar (database versions not stated): gnomAD 0.00002; gnomAD exomes 0.00003; TOPMed 0.00003; ExAC 0.00005.
gnomAD v4.1: 37 of 1,423,890 alleles (0.0026%); highest among the groups gnomAD compares: Middle Eastern, 0.021%; no homozygotes.

Submissions (5):

Labcorp Genetics (formerly Invitae), Labcorp
Classification: Uncertain significance for RYR1-related disorder. Last evaluated: 2025-08-16. Review status: criteria provided, single submitter. Criteria: Invitae Variant Classification Sherloc (09022015). Collection method: clinical testing. Allele origin: germline.
Comment: This sequence change replaces arginine, which is basic and polar, with tryptophan, which is neutral and slightly polar, at codon 2092 of the RYR1 protein (p.Arg2092Trp). This variant is present in population databases (rs772164452, gnomAD 0.006%). This variant has not been reported in the literature in individuals affected with RYR1-related conditions. ClinVar contains an entry for this variant (Variation ID: 478251). An algorithm developed to predict the effect of missense changes on protein structure and function (PolyPhen-2) suggests that this variant is likely to be tolerated. In summary, the available evidence is currently insufficient to determine the role of this variant in disease. Therefore, it has been classified as a Variant of Uncertain Significance.

All of Us Research Program, National Institutes of Health
Classification: Uncertain significance for Malignant hyperthermia, susceptibility to, 1. Last evaluated: 2024-10-03. Review status: criteria provided, single submitter. Criteria: ACMG Guidelines, 2015. Collection method: clinical testing. Allele origin: germline. Inheritance: Autosomal dominant inheritance. Observed: 10 variant alleles, 10 heterozygotes.
Comment: This missense variant replaces arginine with tryptophan at codon 2092 of the RYR1 protein. Computational prediction suggests that this variant may not impact protein structure and function (internally defined REVEL score threshold <= 0.5, PMID: 27666373). To our knowledge, functional studies have not been reported for this variant. This variant has not been reported in individuals affected with RYR1-related disorders in the literature. This variant has been identified in 8/239776 chromosomes in the general population by the Genome Aggregation Database (gnomAD). The available evidence is insufficient to determine the role of this variant in disease conclusively. Therefore, this variant is classified as a Variant of Uncertain Significance.

This study involves interpretation of variants in research participants for the purpose of population health screening. Participant phenotype was not available at the time of variant classification. Additional details can be found in publication PMID: 35346344, PMCID: PMC8962531

Color Diagnostics, LLC DBA Color Health
Classification: Uncertain significance for Malignant hyperthermia, susceptibility to, 1. Last evaluated: 2023-11-15. Review status: criteria provided, single submitter. Criteria: ACMG Guidelines, 2015. Collection method: clinical testing. Allele origin: germline.
Comment: This missense variant replaces arginine with tryptophan at codon 2092 of the RYR1 protein. Computational prediction suggests that this variant may not impact protein structure and function. To our knowledge, functional studies have not been reported for this variant. This variant has not been reported in individuals affected with RYR1-related disorders in the literature. This variant has been identified in 8/239776 chromosomes in the general population by the Genome Aggregation Database (gnomAD). The available evidence is insufficient to determine the role of this variant in disease conclusively. Therefore, this variant is classified as a Variant of Uncertain Significance.

Fulgent Genetics
Classification: Uncertain significance for Central core myopathy; Malignant hyperthermia, susceptibility to, 1; Congenital myopathy 4A, autosomal dominant; Congenital multicore myopathy with external ophthalmoplegia; King Denborough syndrome. Last evaluated: 2021-10-12. Review status: criteria provided, single submitter. Criteria: ACMG Guidelines, 2015. Collection method: clinical testing. Allele origin: unknown.

PreventionGenetics, part of Exact Sciences
Classification: Uncertain significance. Last evaluated: 2018-03-22. Review status: criteria provided, single submitter. Criteria: ACMG Guidelines, 2015. Collection method: clinical testing. Allele origin: germline.

NM_000540.3(RYR1):c.6274C>T (p.Arg2092Trp)

Gene: RYR1 (ryanodine receptor 1; plus strand). Cytogenetic location: 19q13.2.
Variant type: single nucleotide variant.
Coding change: c.6274C>T on transcript NM_000540.3 (MANE Select); coding-DNA position 6274, C replaced by T.
Protein change: p.Arg2092Trp; replaces arginine 2092 with tryptophan.
Molecular consequence: missense variant.
Genome position (GRCh38, 1-based): chr19:38,492,636, C>T. VCF-style: chr19-38492636-C-T. GRCh37 (hg19) VCF-style: chr19-38983276-C-T.
Other names: c.6274C>T, p.Arg2092Trp (NM_001042723.2); short protein forms R2092W.
Identifiers: ClinVar variation 478251 (VCV000478251.11), dbSNP rs772164452, ClinGen allele CA067986.
Genomic context (GRCh38, chr19:38,492,636, plus strand): 5'-CTGGTGAAGAAGAAGGAAGAGAAACCTGAGGAGGAGCGGTCAGCAGAGGAGAGCAAACCC[C>T]GTGAGGACTGGGGTCACTGGGGAGAGGGCAGGGGTGGGGTGGGTAGCCCCATGCCTGCGG-3'
Protein context (NP_000531.2, residues 2082-2102): EERSAEESKP[Arg2092Trp]SLQELVSHMV